The following is an entry in ClinVar:

ClinVar aggregate classification (germline): Uncertain significance. Review status: criteria provided, multiple submitters, no conflicts (2 of 4 stars). 3 submissions from 3 submitters: Uncertain significance (3). Last evaluated 2025-03-04.

Conditions:
Hereditary cancer-predisposing syndrome. Also called: Hereditary neoplastic syndrome; Neoplastic Syndromes, Hereditary; Tumor predisposition; Hereditary Cancer Syndrome. Identifiers: Orphanet 140162, MedGen C0027672, MeSH D009386, MONDO:0015356.

Submissions (3):

Center for Genomic Medicine, Rigshospitalet, Copenhagen University Hospital
Classification: Uncertain significance. Last evaluated: 2025-03-04. Review status: criteria provided, single submitter. Criteria: ACMG Guidelines, 2015. Collection method: clinical testing. Allele origin: germline.

Ambry Genetics
Classification: Uncertain significance for Hereditary cancer-predisposing syndrome. Last evaluated: 2024-11-16. Review status: criteria provided, single submitter. Criteria: Ambry Variant Classification Scheme 2023. Collection method: clinical testing. Allele origin: germline.
Comment: The p.G354A variant (also known as c.1061G>C), located in coding exon 7 of the FH gene, results from a G to C substitution at nucleotide position 1061. The glycine at codon 354 is replaced by alanine, an amino acid with similar properties. This amino acid position is conserved. In addition, this alteration is predicted to be deleterious by in silico analysis. Based on the available evidence, the clinical significance of this variant remains unclear.

GeneDx
Classification: Uncertain significance. Last evaluated: 2021-01-27. Review status: criteria provided, single submitter. Criteria: GeneDx Variant Classification Process June 2021. Collection method: clinical testing. Allele origin: germline. Affected: yes.
Comment: Not observed in large population cohorts (Lek 2016); In silico analysis supports that this missense variant has a deleterious effect on protein structure/function; Has not been previously published as pathogenic or benign to our knowledge

NM_000143.4(FH):c.1061G>C (p.Gly354Ala)

Gene: FH (fumarate hydratase; minus strand). Cytogenetic location: 1q43.
Variant type: single nucleotide variant.
Coding change: c.1061G>C on transcript NM_000143.4 (MANE Select); coding-DNA position 1061, G replaced by C.
Protein change: p.Gly354Ala; replaces glycine 354 with alanine.
Molecular consequence: missense variant.
Genome position (GRCh38, 1-based): chr1:241,504,089, C>G on the plus strand (G>C on the coding strand, the complement: FH is on the minus strand). VCF-style: chr1-241504089-C-G. GRCh37 (hg19) VCF-style: chr1-241667389-C-G.
Other names: short protein forms G354A.
Identifiers: ClinVar variation 1314092 (VCV001314092.5), dbSNP rs1057523184, ClinGen allele CA345438095.